The following is an entry in ClinVar:

ClinVar aggregate classification (germline): Pathogenic. Review status: reviewed by expert panel (3 of 4 stars). 4 submissions from 4 submitters: Pathogenic (1). 3 of the submissions do not count toward it. Last evaluated 2016-09-08.

Conditions:
Hereditary cancer-predisposing syndrome. Also called: Hereditary Cancer Syndrome; Hereditary neoplastic syndrome; Neoplastic Syndromes, Hereditary; Tumor predisposition. Identifiers: Orphanet 140162, MedGen C0027672, MeSH D009386, MONDO:0015356.
Breast-ovarian cancer, familial, susceptibility to, 1 (BROVCA1). Also called: BRCA1 Hereditary Breast and Ovarian Cancer; OVARIAN CANCER, SUSCEPTIBILITY TO. Identifiers: Orphanet 145, MedGen C2676676, MONDO:0011450, OMIM 604370. Disease mechanism: loss of function.

Submissions (4):

Evidence-based Network for the Interpretation of Germline Mutant Alleles (ENIGMA)
Classification: Pathogenic for Breast-ovarian cancer, familial, susceptibility to, 1. Last evaluated: 2016-09-08. Review status: reviewed by expert panel. Criteria: ENIGMA BRCA1/2 Classification Criteria (2015). Collection method: curation. Allele origin: germline.
Comment: Variant allele predicted to encode a truncated non-functional protein.

Ambry Genetics
Classification: Pathogenic for Hereditary cancer-predisposing syndrome. Last evaluated: 2023-05-05. Review status: criteria provided, single submitter. Criteria: Ambry Variant Classification Scheme 2023. Collection method: clinical testing. Allele origin: germline. Not counted in ClinVar's aggregate classification.
Comment: The p.S1587* pathogenic mutation (also known as c.4760C>G), located in coding exon 14 of the BRCA1 gene, results from a C to G substitution at nucleotide position 4760. This changes the amino acid from a serine to a stop codon within coding exon 14. This alteration was observed in 1 of 308 triple negative breast cancer patients from the UK undergoing BRCA1 analysis (Robertson L et al. Br J Cancer, 2012 Mar;106:1234-8). This variant is considered to be rare based on population cohorts in the Genome Aggregation Database (gnomAD). In addition to the clinical data presented in the literature, this alteration is expected to result in loss of function by premature protein truncation or nonsense-mediated mRNA decay. As such, this alteration is interpreted as a disease-causing mutation.

GeneDx
Classification: Pathogenic. Last evaluated: 2020-10-27. Review status: criteria provided, single submitter. Criteria: GeneDx Variant Classification Process June 2021. Collection method: clinical testing. Allele origin: germline. Affected: yes. Not counted in ClinVar's aggregate classification.
Comment: Nonsense variant predicted to result in protein truncation or nonsense mediated decay in a gene for which loss-of-function is a known mechanism of disease; Not observed in large population cohorts (Lek 2016); Truncating variants in this gene are considered pathogenic by a well-established clinical consortium and/or database; Also known as 4879C>G; Observed in individuals with personal and family history consistent with pathogenic variants in this gene (Robertson 2012, El Ansari 2020); This variant is associated with the following publications: (PMID: 22333603, 32778078)

Quest Diagnostics Nichols Institute San Juan Capistrano
Classification: Pathogenic for Breast-ovarian cancer, familial, susceptibility to, 1. Last evaluated: 2015-11-13. Review status: criteria provided, single submitter. Criteria: Quest Diagnostics criteria. Collection method: clinical testing. Allele origin: germline. Inheritance: Autosomal dominant inheritance. Not counted in ClinVar's aggregate classification.

Literature cited by the submitters: PubMed 22333603 (cited by Ambry Genetics and Quest Diagnostics Nichols Institute San Juan Capistrano); PubMed 26295337 (cited by Quest Diagnostics Nichols Institute San Juan Capistrano).

NM_007294.4(BRCA1):c.4760C>G (p.Ser1587Ter)

Gene: BRCA1 (BRCA1 DNA repair associated; minus strand). Cytogenetic location: 17q21.31.
Variant type: single nucleotide variant.
Coding change: c.4760C>G on transcript NM_007294.4 (MANE Select); coding-DNA position 4760, C replaced by G.
Protein change: p.Ser1587Ter; replaces serine 1587 with a stop codon.
Molecular consequence: nonsense. On other transcripts: non-coding transcript variant (1).
Genome position (GRCh38, 1-based): chr17:43,071,154, G>C on the plus strand (C>G on the coding strand, the complement: BRCA1 is on the minus strand). VCF-style: chr17-43071154-G-C. GRCh37 (hg19) VCF-style: chr17-41223171-G-C.
Other names: c.4757C>G, p.Ser1586Ter (NM_001407610.1, NM_001407611.1, NM_001407612.1 and 17 more transcripts); c.4754C>G, p.Ser1585Ter (NM_001407629.1, NM_001407630.1, NM_001407631.1 and 14 more transcripts); c.4700C>G, p.Ser1567Ter (NM_001407649.1); c.4760C>G, p.Ser1587Ter (NM_001407652.1, NM_001407593.1, NM_001407594.1 and 8 more transcripts); c.4682C>G, p.Ser1561Ter (NM_001407653.1, NM_001407654.1, NM_001407655.1); c.4679C>G, p.Ser1560Ter (NM_001407656.1, NM_001407657.1, NM_001407658.1); c.4676C>G, p.Ser1559Ter (NM_001407659.1, NM_001407660.1, NM_001407661.1 and 2 more transcripts); c.4634C>G, p.Ser1545Ter (NM_001407670.1, NM_001407671.1, NM_001407672.1 and 11 more transcripts); and 70 more; short protein forms S1587*, S483*, S1540*, S1608*, S1291*, S1418*, S1476*, S1499*.
Identifiers: ClinVar variation 55281 (VCV000055281.9), dbSNP rs397509195, ClinGen allele CA003008.